The following is an entry in ClinVar:

ClinVar aggregate classification (germline): Uncertain significance (1 of 4 stars; one submission).

Conditions:
Malignant hyperthermia, susceptibility to, 5 (MHS5). Also called: CACNA1S-Related Malignant Hyperthermia Susceptibility. Identifiers: Orphanet 423, MedGen C1866077, MONDO:0011163, OMIM 601887.

gnomAD v4.1: 7 of 1,614,120 alleles (0.00043%); highest among the groups gnomAD compares: East Asian, 0.013%; no homozygotes.

Submission:

Color Diagnostics, LLC DBA Color Health
Classification: Uncertain significance for Malignant hyperthermia, susceptibility to, 5. Last evaluated: 2025-09-16. Review status: criteria provided, single submitter. Criteria: ACMG Guidelines, 2015. Collection method: clinical testing. Allele origin: germline.
Comment: This missense variant replaces valine with methionine at codon 470 of the CACNA1S protein. Computational prediction is inconclusive regarding the impact of this variant on protein structure and function. To our knowledge, functional studies have not been reported for this variant. This variant has not been reported in individuals affected with CACNA1S-related disorders in the literature. This variant has not been identified in the general population by the Genome Aggregation Database (gnomAD). The available evidence is insufficient to determine the role of this variant in disease conclusively. Therefore, this variant is classified as a Variant of Uncertain Significance.

NM_000069.3(CACNA1S):c.1408G>A (p.Val470Met)

Gene: CACNA1S (calcium voltage-gated channel subunit alpha1 S; minus strand). Cytogenetic location: 1q32.1.
Variant type: single nucleotide variant.
Coding change: c.1408G>A on transcript NM_000069.3 (MANE Select); coding-DNA position 1408, G replaced by A.
Protein change: p.Val470Met; replaces valine 470 with methionine.
Molecular consequence: missense variant.
Genome position (GRCh38, 1-based): chr1:201,078,090, C>T on the plus strand (G>A on the coding strand, the complement: CACNA1S is on the minus strand). VCF-style: chr1-201078090-C-T. GRCh37 (hg19) VCF-style: chr1-201047218-C-T.
Other names: short protein forms V470M.
Identifiers: ClinVar variation 4758341 (VCV004758341.1).